The following is an entry in ClinVar:

ClinVar aggregate classification (germline): Uncertain significance (1 of 4 stars; one submission).

Conditions:
Spermatogenic failure 18. Identifiers: MedGen C4539783, MONDO:0054615, OMIM 617576.
Ciliary dyskinesia, primary, 37 (CILD37). Also called: CILIARY DYSKINESIA, PRIMARY, 37, WITH OR WITHOUT SITUS INVERSUS. Identifiers: MedGen C4539798, MONDO:0033204, OMIM 617577.

Allele frequency attached by ClinVar (database versions not stated): gnomAD 0.00004 and 0.00003; ESP Exome Variant Server 0.00008; gnomAD exomes below 0.00001 and 0.00001; ExAC 0.00001; TOPMed 0.00002.
gnomAD v4.1: 17 of 1,613,608 alleles (0.0011%); highest among the groups gnomAD compares: African/African-American, 0.0027%; no homozygotes.

Submission:

Labcorp Genetics (formerly Invitae), Labcorp
Classification: Uncertain significance for Ciliary dyskinesia, primary, 37; Spermatogenic failure 18. Last evaluated: 2021-08-31. Review status: criteria provided, single submitter. Criteria: Invitae Variant Classification Sherloc (09022015). Collection method: clinical testing. Allele origin: germline.
Comment: This sequence change replaces leucine with arginine at codon 3357 of the DNAH1 protein (p.Leu3357Arg). The leucine residue is highly conserved and there is a moderate physicochemical difference between leucine and arginine. This variant is present in population databases (rs367975909, ExAC 0.002%). This variant has not been reported in the literature in individuals affected with DNAH1-related conditions. Algorithms developed to predict the effect of missense changes on protein structure and function are either unavailable or do not agree on the potential impact of this missense change (SIFT: "Deleterious"; PolyPhen-2: "Benign"; Align-GVGD: "Class C0"). In summary, the available evidence is currently insufficient to determine the role of this variant in disease. Therefore, it has been classified as a Variant of Uncertain Significance.

NM_015512.5(DNAH1):c.10070T>G (p.Leu3357Arg)

Gene: DNAH1 (dynein axonemal heavy chain 1; plus strand). Cytogenetic location: 3p21.1.
Variant type: single nucleotide variant.
Coding change: c.10070T>G on transcript NM_015512.5 (MANE Select); coding-DNA position 10070, T replaced by G.
Protein change: p.Leu3357Arg; replaces leucine 3357 with arginine.
Molecular consequence: missense variant.
Genome position (GRCh38, 1-based): chr3:52,392,481, T>G. VCF-style: chr3-52392481-T-G. GRCh37 (hg19) VCF-style: chr3-52426497-T-G.
Other names: short protein forms L3357R.
Identifiers: ClinVar variation 641085 (VCV000641085.3), dbSNP rs367975909, ClinGen allele CA2435708.